The following is an entry in ClinVar:

NM_003640.5(ELP1):c.2325T>G (p.Asp775Glu)

Gene: ELP1 (elongator acetyltransferase complex subunit 1; minus strand). Cytogenetic location: 9q31.3.
Variant type: single nucleotide variant.
Coding change: c.2325T>G on transcript NM_003640.5 (MANE Select); coding-DNA position 2325, T replaced by G.
Protein change: p.Asp775Glu; replaces aspartic acid 775 with glutamic acid.
Molecular consequence: missense variant.
Genome position (GRCh38, 1-based): chr9:108,898,540, A>C on the plus strand (T>G on the coding strand, the complement: ELP1 is on the minus strand). VCF-style: chr9-108898540-A-C. GRCh37 (hg19) VCF-style: chr9-111660820-A-C.
Other names: c.1983T>G, p.Asp661Glu (NM_001318360.2); c.1278T>G, p.Asp426Glu (NM_001330749.2); c.2325T>G (LRG_251t1); short protein forms D775E, D661E, D426E.
Identifiers: ClinVar variation 526196 (VCV000526196.9), dbSNP rs757701039, ClinGen allele CA5174697.

ClinVar aggregate classification (germline): Uncertain significance. Review status: criteria provided, multiple submitters, no conflicts (2 of 4 stars). 4 submissions from 4 submitters: Uncertain significance (3). 1 of the submissions does not count toward it. Last evaluated 2025-03-06.

Conditions:
Familial dysautonomia. Also called: FD; HSAN III. Identifiers: Orphanet 1764, MedGen C0013364, MONDO:0009131, OMIM 223900. Disease mechanism: loss of function.

Allele frequency attached by ClinVar (database versions not stated): gnomAD exomes 0.00001 and 0.00002; ExAC 0.00002; gnomAD 0.00003; TOPMed 0.00003.
gnomAD v4.1: 21 of 1,598,718 alleles (0.0013%); highest among the groups gnomAD compares: Non-Finnish European, 0.0018%; no homozygotes.

Submissions (4):

Ambry Genetics
Classification: Uncertain significance. Last evaluated: 2025-03-06. Review status: criteria provided, single submitter. Criteria: Ambry Variant Classification Scheme 2023. Collection method: clinical testing. Allele origin: germline.

Labcorp Genetics (formerly Invitae), Labcorp
Classification: Uncertain significance. Last evaluated: 2021-09-01. Review status: criteria provided, single submitter. Criteria: Invitae Variant Classification Sherloc (09022015). Collection method: clinical testing. Allele origin: germline.
Comment: This sequence change replaces aspartic acid with glutamic acid at codon 775 of the ELP1 protein (p.Asp775Glu). The aspartic acid residue is moderately conserved and there is a small physicochemical difference between aspartic acid and glutamic acid. This variant is present in population databases (rs757701039, ExAC 0.01%). This variant has not been reported in the literature in individuals affected with ELP1-related conditions. Algorithms developed to predict the effect of missense changes on protein structure and function (SIFT, PolyPhen-2, Align-GVGD) all suggest that this variant is likely to be tolerated. In summary, the available evidence is currently insufficient to determine the role of this variant in disease. Therefore, it has been classified as a Variant of Uncertain Significance.

GeneDx
Classification: Uncertain significance. Last evaluated: 2021-08-24. Review status: criteria provided, single submitter. Criteria: GeneDx Variant Classification Process June 2021. Collection method: clinical testing. Allele origin: germline. Affected: yes.
Comment: Not observed at significant frequency in large population cohorts (Lek et al., 2016); In silico analysis supports that this missense variant does not alter protein structure/function; Has not been previously published as pathogenic or benign to our knowledge

Natera, Inc.
Classification: Uncertain significance for Familial dysautonomia. Last evaluated: 2020-09-16. Review status: no assertion criteria provided. Collection method: clinical testing. Allele origin: germline. Not counted in ClinVar's aggregate classification.